The following is an entry in ClinVar:

NM_001040436.3(YARS2):c.895C>G (p.Pro299Ala)

Gene: YARS2 (tyrosyl-tRNA synthetase 2; minus strand). Cytogenetic location: 12p11.21.
Variant type: single nucleotide variant.
Coding change: c.895C>G on transcript NM_001040436.3 (MANE Select); coding-DNA position 895, C replaced by G.
Protein change: p.Pro299Ala; replaces proline 299 with alanine.
Molecular consequence: missense variant.
Genome position (GRCh38, 1-based): chr12:32,753,970, G>C on the plus strand (C>G on the coding strand, the complement: YARS2 is on the minus strand). VCF-style: chr12-32753970-G-C. GRCh37 (hg19) VCF-style: chr12-32906904-G-C.
Other names: p.Pro299Ala; short protein forms P299A.
Identifiers: ClinVar variation 3380099 (VCV003380099.1).

ClinVar aggregate classification (germline): Uncertain significance (1 of 4 stars; one submission).

gnomAD v4.1: 3 of 1,614,158 alleles (0.00019%); highest among the groups gnomAD compares: Admixed American, 0.0033%; no homozygotes.

Submission:

Mayo Clinic Laboratories, Mayo Clinic
Classification: Uncertain significance. Last evaluated: 2023-09-27. Review status: criteria provided, single submitter. Criteria: ACMG Guidelines, 2015. Collection method: clinical testing. Allele origin: germline. Observed: 1 variant allele.
Comment: PM2_moderate